The following is an entry in ClinVar:

ClinVar aggregate classification (germline): Benign/Likely benign. Review status: criteria provided, multiple submitters, no conflicts (2 of 4 stars). 3 submissions from 3 submitters: Benign (1); Likely benign (2). Last evaluated 2018-06-26.

Conditions:
Myopathy, lactic acidosis, and sideroblastic anemia 1 (MLASA1). Identifiers: Orphanet 2598, MedGen C4551958, MONDO:0024553, OMIM 600462.

Allele frequency attached by ClinVar (database versions not stated): TOPMed 0.00917; gnomAD 0.00929; 1000 Genomes Project 0.00938; 1000 Genomes Project 30x 0.01077.
gnomAD v4.1: 3,362 of 564,298 alleles (0.6%); highest among the groups gnomAD compares: African/African-American, 2%; 19 homozygotes.

Submissions (3):

GeneDx
Classification: Likely benign. Last evaluated: 2018-06-26. Review status: criteria provided, single submitter. Criteria: GeneDx Variant Classification Process June 2021. Collection method: clinical testing. Allele origin: germline. Affected: yes.

Illumina Laboratory Services, Illumina
Classification: Benign for Myopathy, lactic acidosis, and sideroblastic anemia 1. Last evaluated: 2017-04-27. Review status: criteria provided, single submitter. Criteria: ICSL Variant Classification Criteria 13 December 2019. Collection method: clinical testing. Allele origin: germline.
Comment: This variant was observed as part of a predisposition screen in an ostensibly healthy population. A literature search was performed for the gene, cDNA change, and amino acid change (where applicable). No publications were found based on this search. Allele frequency data from public databases was too high to be consistent with this variant causing disease. Therefore, this variant is classified as benign.

Breakthrough Genomics
Classification: Likely benign. Review status: criteria provided, single submitter. Criteria: ACMG Guidelines, 2015. Collection method: not provided. Allele origin: germline. Inheritance: Autosomal recessive inheritance. Affected: yes.

NM_025215.6(PUS1):c.*208T>C

Gene: PUS1 (pseudouridine synthase 1; plus strand). Cytogenetic location: 12q24.33.
Variant type: single nucleotide variant.
Coding change: c.*208T>C on transcript NM_025215.6 (MANE Select); 208 bases downstream of the stop codon, T replaced by C.
Molecular consequence: 3 prime UTR variant.
Genome position (GRCh38, 1-based): chr12:131,943,794, T>C. VCF-style: chr12-131943794-T-C. GRCh37 (hg19) VCF-style: chr12-132428339-T-C.
Other names: c.*208T>C (NM_001002019.3, NM_001002020.3).
Identifiers: ClinVar variation 882622 (VCV000882622.8), dbSNP rs148927836, ClinGen allele CA246189208.